The following is an entry in ClinVar:

ClinVar aggregate classification (germline): Likely benign. Review status: criteria provided, multiple submitters, no conflicts (2 of 4 stars). 2 submissions from 2 submitters: Likely benign (2). Last evaluated 2026-07-01.

Conditions:
Myofibrillar myopathy 5. Also called: Filaminopathy (type); FILAMINOPATHY, AUTOSOMAL DOMINANT. Identifiers: Orphanet 171445, MedGen C1836050, MONDO:0012289, OMIM 609524.
Distal myopathy with posterior leg and anterior hand involvement. Also called: WILLIAMS DISTAL MYOPATHY. Identifiers: Orphanet 63273, MedGen C3279722, MONDO:0013550, OMIM 614065.
Hypertrophic cardiomyopathy 26. Also called: Cardiomyopathy, familial hypertrophic, 26. Identifiers: Orphanet 75249, MedGen C4310749, MONDO:0014883, OMIM 617047.

Allele frequency attached by ClinVar (database versions not stated): TOPMed below 0.00001; gnomAD 0.00001; gnomAD exomes 0.00001.
gnomAD v4.1: 18 of 1,612,988 alleles (0.0011%); highest among the groups gnomAD compares: Middle Eastern, 0.049%; no homozygotes.

Submissions (2):

CeGaT Center for Human Genetics Tuebingen
Classification: Likely benign. Last evaluated: 2026-07-01. Review status: criteria provided, single submitter. Criteria: CeGaT Center For Human Genetics Tuebingen Variant Classification Criteria Version 2. Collection method: clinical testing. Allele origin: germline. Affected: yes. Observed: 1 variant allele.
Comment: FLNC: BP4, BP7

Labcorp Genetics (formerly Invitae), Labcorp
Classification: Likely benign for Distal myopathy with posterior leg and anterior hand involvement; Myofibrillar myopathy 5; Hypertrophic cardiomyopathy 26. Last evaluated: 2024-12-12. Review status: criteria provided, single submitter. Criteria: Invitae Variant Classification Sherloc (09022015). Collection method: clinical testing. Allele origin: germline.

NM_001458.5(FLNC):c.192C>G (p.Leu64=)

Gene: FLNC (filamin C; plus strand). Cytogenetic location: 7q32.1.
Variant type: single nucleotide variant.
Coding change: c.192C>G on transcript NM_001458.5 (MANE Select); coding-DNA position 192, C replaced by G.
Protein change: p.Leu64=; no amino-acid change (leucine 64 retained).
Molecular consequence: synonymous variant.
Genome position (GRCh38, 1-based): chr7:128,830,829, C>G. VCF-style: chr7-128830829-C-G. GRCh37 (hg19) VCF-style: chr7-128470883-C-G.
Other names: c.192C>G, p.Leu64= (NM_001127487.2).
Identifiers: ClinVar variation 1580798 (VCV001580798.9), dbSNP rs1172570582, ClinGen allele CA457846049.
Genomic context (GRCh38, chr7:128,830,829, plus strand): 5'-CTGGTGCAATGAGCACCTCAAGTGCGTGGGCAAGCGCCTGACCGACCTGCAGCGCGACCT[C>G]AGCGACGGGCTCCGGCTCATCGCGCTGCTCGAGGTGCTCAGCCAGAAGCGCATGTACCGC-3'
Protein context (NP_001449.3, residues 54-74): GKRLTDLQRD[Leu64=]SDGLRLIALL